The following is an entry in ClinVar:

ClinVar aggregate classification (germline): Uncertain significance (1 of 4 stars; one submission).

Allele frequency attached by ClinVar (database versions not stated): gnomAD exomes below 0.00001.
gnomAD v4.1: 4 of 1,614,186 alleles (0.00025%); highest among the groups gnomAD compares: Non-Finnish European, 0.00034%; no homozygotes.

Submission:

GeneDx
Classification: Uncertain significance. Last evaluated: 2013-06-25. Review status: criteria provided, single submitter. Criteria: GeneDx Variant Classification (06012015). Collection method: clinical testing. Allele origin: germline. Affected: yes.
Comment: This variant is denoted c.238 A>G at the cDNA level or p.Lys80Glu (K80E) at the protein level. The K80E missense substitution has not been published as a mutation, nor has it been reported as a benign polymorphism to our knowledge. The amino acid change is non-conservative in that a positively charged Lysine residue is replaced by a negatively charged Glutamic Acid residue. This change occurs at a highly conserved position in the GFM1 protein. In-silico analyses predict that K80E is possibly damaging to the GFM1 protein. Therefore, based on the currently available information, K80E was interpreted to be a variant of unknown significance. The variant is found in LSME-MITOP panel(s).

NM_024996.7(GFM1):c.238A>G (p.Lys80Glu)

Gene: GFM1 (G elongation factor mitochondrial 1; plus strand). Cytogenetic location: 3q25.32.
Variant type: single nucleotide variant.
Coding change: c.238A>G on transcript NM_024996.7 (MANE Select); coding-DNA position 238, A replaced by G.
Protein change: p.Lys80Glu; replaces lysine 80 with glutamic acid.
Molecular consequence: missense variant. On other transcripts: non-coding transcript variant (3), intron variant (4).
Genome position (GRCh38, 1-based): chr3:158,646,168, A>G. VCF-style: chr3-158646168-A-G. GRCh37 (hg19) VCF-style: chr3-158363957-A-G.
Other names: p.K80E:AAA>GAA; c.238A>G, p.Lys80Glu (NM_001308164.2, NM_001308166.2, NM_001374355.1 and 1 more transcripts); c.13A>G, p.Lys5Glu (NM_001374357.1); c.5+387A>G (NM_001374359.1, NM_001374360.1, NM_001374361.1); c.234+387A>G (NM_001374358.1); short protein forms K80E, K5E.
Identifiers: ClinVar variation 214489 (VCV000214489.2), dbSNP rs863224029, ClinGen allele CA322108.